The following is an entry in ClinVar:

NM_001166108.2(PALLD):c.1045C>A (p.Pro349Thr)

Gene: PALLD (palladin, cytoskeletal associated protein; plus strand). Cytogenetic location: 4q32.3.
Variant type: single nucleotide variant.
Coding change: c.1045C>A on transcript NM_001166108.2 (MANE Select); coding-DNA position 1045, C replaced by A.
Protein change: p.Pro349Thr; replaces proline 349 with threonine.
Molecular consequence: missense variant. On other transcripts: 5 prime UTR variant (1).
Genome position (GRCh38, 1-based): chr4:168,668,326, C>A. VCF-style: chr4-168668326-C-A. GRCh37 (hg19) VCF-style: chr4-169589477-C-A.
Other names: c.-102C>A (NM_001166109.2); c.1045C>A, p.Pro349Thr (NM_016081.4); short protein forms P349T.
Identifiers: ClinVar variation 1775240 (VCV001775240.2), dbSNP rs2531425726, ClinGen allele CA358793872.
Genomic context (GRCh38, chr4:168,668,326, plus strand): 5'-CTGATCATAGCAGAGGCCTTTGAGGACGACACAGGTCGCTACACCTGTTTGGCTACGAAT[C>A]CCAGCGGCTCAGACACAACATCTGCTGAGGTGTTCATTGAAGGTAAGGAGGGGTGCCTGG-3'
Protein context (NP_001159580.1, residues 339-359): TGRYTCLATN[Pro349Thr]SGSDTTSAEV

ClinVar aggregate classification (germline): Uncertain significance (1 of 4 stars; one submission).

Allele frequency attached by ClinVar (database versions not stated): gnomAD exomes below 0.00001.
gnomAD v4.1: 2 of 1,612,452 alleles (0.00012%); highest among the groups gnomAD compares: South Asian, 0.0011%; no homozygotes.

Submission:

Ambry Genetics
Classification: Uncertain significance. Last evaluated: 2022-10-15. Review status: criteria provided, single submitter. Criteria: Ambry Variant Classification Scheme 2023. Collection method: clinical testing. Allele origin: germline.
Comment: The p.P349T variant (also known as c.1045C>A), located in coding exon 2 of the PALLD gene, results from a C to A substitution at nucleotide position 1045. The proline at codon 349 is replaced by threonine, an amino acid with highly similar properties. This amino acid position is conserved. In addition, this alteration is predicted to be tolerated by in silico analysis. Since supporting evidence is limited at this time, the clinical significance of this alteration remains unclear.